The following is an entry in ClinVar:

ClinVar aggregate classification (germline): Likely benign. Review status: criteria provided, multiple submitters, no conflicts (2 of 4 stars). 2 submissions from 2 submitters: Likely benign (2). Last evaluated 2022-10-31.

Conditions:
FG syndrome (FGS). Identifiers: MedGen C0220769, MONDO:0002010.

Allele frequency attached by ClinVar (database versions not stated): gnomAD exomes 0.00001; ExAC 0.00001.

Submissions (2):

Labcorp Genetics (formerly Invitae), Labcorp
Classification: Likely benign for FG syndrome. Last evaluated: 2022-10-31. Review status: criteria provided, single submitter. Criteria: Invitae Variant Classification Sherloc (09022015). Collection method: clinical testing. Allele origin: germline.

GeneDx
Classification: Likely benign. Last evaluated: 2021-02-24. Review status: criteria provided, single submitter. Criteria: GeneDx Variant Classification Process June 2021. Collection method: clinical testing. Allele origin: germline. Affected: yes.
Comment: In silico analysis supports that this missense variant does not alter protein structure/function; Has not been previously published as pathogenic or benign to our knowledge

NM_005120.3(MED12):c.1754G>A (p.Arg585Gln)

Gene: MED12 (mediator complex subunit 12; plus strand). Cytogenetic location: Xq13.1.
Variant type: single nucleotide variant.
Coding change: c.1754G>A on transcript NM_005120.3 (MANE Select); coding-DNA position 1754, G replaced by A.
Protein change: p.Arg585Gln; replaces arginine 585 with glutamine.
Molecular consequence: missense variant.
Genome position (GRCh38, 1-based): chrX:71,124,168, G>A. VCF-style: chrX-71124168-G-A. GRCh37 (hg19) VCF-style: chrX-70344018-G-A.
Other names: short protein forms R585Q.
Identifiers: ClinVar variation 213646 (VCV000213646.6), dbSNP rs747113641, ClinGen allele CA320032.